The following is an entry in ClinVar:

NM_002439.5(MSH3):c.1554G>A (p.Met518Ile)

Gene: MSH3 (mutS homolog 3; plus strand). Cytogenetic location: 5q14.1.
Variant type: single nucleotide variant.
Coding change: c.1554G>A on transcript NM_002439.5 (MANE Select); coding-DNA position 1554, G replaced by A.
Protein change: p.Met518Ile; replaces methionine 518 with isoleucine.
Molecular consequence: missense variant.
Genome position (GRCh38, 1-based): chr5:80,728,951, G>A. VCF-style: chr5-80728951-G-A. GRCh37 (hg19) VCF-style: chr5-80024770-G-A.
Other names: c.1554G>A (NM_002439.3); short protein forms M518I.
Identifiers: ClinVar variation 2182458 (VCV002182458.5), dbSNP rs1329854315, ClinGen allele CA360274360.
Genomic context (GRCh38, chr5:80,728,951, plus strand): 5'-TGTGATTTGCTCTTTGGCTGCCATCATAAAATACCTCAAAGAATTCAACTTGGAAAAGAT[G>A]CTCTCCAAACCTGAGTAAGTGATTCCTCCAAAATTAAAAAAAGGGGGAGCTTATATTATG-3'
Protein context (NP_002430.3, residues 508-528): KYLKEFNLEK[Met518Ile]LSKPENFKQL

ClinVar aggregate classification (germline): Uncertain significance. Review status: criteria provided, multiple submitters, no conflicts (2 of 4 stars). 2 submissions from 2 submitters: Uncertain significance (2). Last evaluated 2025-05-31.

Conditions:
Hereditary cancer-predisposing syndrome. Also called: Hereditary Cancer Syndrome; Neoplastic Syndromes, Hereditary; Tumor predisposition; Hereditary neoplastic syndrome. Identifiers: Orphanet 140162, MedGen C0027672, MeSH D009386, MONDO:0015356.

Submissions (2):

Ambry Genetics
Classification: Uncertain significance for Hereditary cancer-predisposing syndrome. Last evaluated: 2025-05-31. Review status: criteria provided, single submitter. Criteria: Ambry Variant Classification Scheme 2023. Collection method: clinical testing. Allele origin: germline.
Comment: The p.M518I variant (also known as c.1554G>A), located in coding exon 10 of the MSH3 gene, results from a G to A substitution at nucleotide position 1554. The methionine at codon 518 is replaced by isoleucine, an amino acid with highly similar properties. This amino acid position is conserved. In addition, this alteration is predicted to be tolerated by in silico analysis. Based on the available evidence, the clinical significance of this variant remains unclear.

Labcorp Genetics (formerly Invitae), Labcorp
Classification: Uncertain significance. Last evaluated: 2022-03-23. Review status: criteria provided, single submitter. Criteria: Invitae Variant Classification Sherloc (09022015). Collection method: clinical testing. Allele origin: germline.
Comment: This variant is not present in population databases (gnomAD no frequency). This sequence change replaces methionine, which is neutral and non-polar, with isoleucine, which is neutral and non-polar, at codon 518 of the MSH3 protein (p.Met518Ile). This variant has not been reported in the literature in individuals affected with MSH3-related conditions. Algorithms developed to predict the effect of missense changes on protein structure and function output the following: SIFT: "Tolerated"; PolyPhen-2: "Benign"; Align-GVGD: "Class C0". The isoleucine amino acid residue is found in multiple mammalian species, which suggests that this missense change does not adversely affect protein function. In summary, the available evidence is currently insufficient to determine the role of this variant in disease. Therefore, it has been classified as a Variant of Uncertain Significance.